The following is an entry in ClinVar:

ClinVar aggregate classification (germline): Likely benign. Review status: criteria provided, single submitter (1 of 4 stars). 2 submissions from 2 submitters: Likely benign (1). 1 of the submissions does not count toward it. Last evaluated 2026-07-01.

Conditions:
KCNQ1-related disorder. Also called: KCNQ1-related disorders; KCNQ1-related condition. Identifiers: MedGen CN239322.

Submissions (2):

CeGaT Center for Human Genetics Tuebingen
Classification: Likely benign. Last evaluated: 2026-07-01. Review status: criteria provided, single submitter. Criteria: CeGaT Center For Human Genetics Tuebingen Variant Classification Criteria Version 2. Collection method: clinical testing. Allele origin: germline. Affected: yes. Observed: 18 variant alleles.
Comment: KCNQ1OT1: BS2

PreventionGenetics, part of Exact Sciences
Classification: Likely benign for KCNQ1-related condition. Last evaluated: 2023-05-27. Review status: no assertion criteria provided. Collection method: clinical testing. Allele origin: germline. Not counted in ClinVar's aggregate classification.
Comment: This variant is classified as likely benign based on ACMG/AMP sequence variant interpretation guidelines (Richards et al. 2015 PMID: 25741868, with internal and published modifications).

NM_000218.3(KCNQ1):c.1393+32122dup

Genes: KCNQ1 (potassium voltage-gated channel subfamily Q member 1; plus strand), KCNQ1OT1 (KCNQ1 opposite strand/antisense transcript 1; minus strand). Cytogenetic location: 11p15.5.
Variant type: Duplication.
Coding change: c.1393+32122dup on transcript NM_000218.3 (MANE Select); 32122 bases into the intron after coding-DNA position 1393, one base duplicated (T; older notation c.1393+32122dupT).
Molecular consequence: intron variant.
Genome position (GRCh38, 1-based): chr11:2,620,976, T duplicated; the last of 6 consecutive T bases (chr11:2,620,971-2,620,976); duplicating any one gives the same sequence. VCF-style (leftmost placement, unchanged base first): chr11-2620970-C-CT. GRCh37 (hg19) VCF-style: chr11-2642200-C-CT.
Other names: c.1012+32122dup (NM_181798.2); c.1123+32122dup (NM_001406837.1); c.1297+32122dup (NM_001406836.1); c.853+32122dup (NM_001406838.1); c.1393+32122dupT (NM_000218.2).
Identifiers: ClinVar variation 1711275 (VCV001711275.31), dbSNP rs144479763, ClinGen allele CA216362461.